The following is an entry in ClinVar:

NM_001353345.2(SETD1B):c.4051C>T (p.Pro1351Ser)

Gene: SETD1B (SET domain containing 1B, histone lysine methyltransferase; plus strand). Cytogenetic location: 12q24.31.
Variant type: single nucleotide variant.
Coding change: c.4051C>T on transcript NM_001353345.2 (MANE Select); coding-DNA position 4051, C replaced by T.
Protein change: p.Pro1351Ser; replaces proline 1351 with serine.
Molecular consequence: missense variant.
Genome position (GRCh38, 1-based): chr12:121,822,630, C>T. VCF-style: chr12-121822630-C-T. GRCh37 (hg19) VCF-style: chr12-122260536-C-T.
Other names: short protein forms P1351S.
Identifiers: ClinVar variation 3254593 (VCV003254593.1), dbSNP rs2500232247.
Genomic context (GRCh38, chr12:121,822,630, plus strand): 5'-CCCCGGCCACCCAGCCCACCGCCGGAGCCTGAGACCACAGATGCCTCACACCCATCTGTC[C>T]CTCCGGAGCCCCTTGCCGAGGACCACCCCCCGCATACTCCAGGCCTCTGTGGCAGCCTGG-3'
Protein context (NP_001340274.1, residues 1341-1361): ETTDASHPSV[Pro1351Ser]PEPLAEDHPP

ClinVar aggregate classification (germline): Uncertain significance (1 of 4 stars; one submission).

Conditions:
Intellectual developmental disorder with seizures and language delay (IDDSELD). Identifiers: MedGen C5436574, MONDO:0033559, OMIM 619000.

Submission:

Victorian Clinical Genetics Services, Murdoch Childrens Research Institute
Classification: Uncertain significance for Intellectual developmental disorder with seizures and language delay. Last evaluated: 2023-07-17. Review status: criteria provided, single submitter. Criteria: ACMG Guidelines, 2015. Collection method: clinical testing. Allele origin: germline. Inheritance: Autosomal dominant inheritance. Affected: yes.
Comment: Based on the classification scheme VCGS_Germline_v1.3.4, this variant is classified as VUS-3C. Following criteria are met: 0102 - Loss of function is a known mechanism of disease in this gene and is associated with intellectual developmental disorder with seizures and language delay (MIM#619000). (I) 0107 - This gene is associated with autosomal dominant disease. (I) 0200 - Variant is predicted to result in a missense amino acid change from proline to serine. (I) 0251 - This variant is heterozygous. (I) 0301 - Variant is absent from gnomAD (both v2 and v3). (SP) 0309 - An alternative amino acid change at the same position has been observed in gnomAD (v2) (3 heterozygotes, 0 homozygotes). (I) 0504 - Same amino acid change has been observed in placental mammals. (SB) 0604 - Variant is not located in an established domain, motif, hotspot or informative constraint region. (I) 0705 - No comparable missense variants have previous evidence for pathogenicity. (I) 0807 - This variant has no previous evidence of pathogenicity. (I) 0905 - No published segregation evidence has been identified for this variant. (I) 1007 - No published functional evidence has been identified for this variant. (I) 1208 - Inheritance information for this variant is not currently available in this individual. (I) Legend: (SP) - Supporting pathogenic, (I) - Information, (SB) - Supporting benign